The following is an entry in ClinVar:

NM_001843.4(CNTN1):c.2906A>G (p.Asp969Gly)

Gene: CNTN1 (contactin 1; plus strand). Cytogenetic location: 12q12.
Variant type: single nucleotide variant.
Coding change: c.2906A>G on transcript NM_001843.4 (MANE Select); coding-DNA position 2906, A replaced by G.
Protein change: p.Asp969Gly; replaces aspartic acid 969 with glycine.
Molecular consequence: missense variant.
Genome position (GRCh38, 1-based): chr12:41,029,145, A>G. VCF-style: chr12-41029145-A-G. GRCh37 (hg19) VCF-style: chr12-41422947-A-G.
Other names: c.2873A>G, p.Asp958Gly (NM_175038.2); short protein forms D969G, D958G.
Identifiers: ClinVar variation 661837 (VCV000661837.1), dbSNP rs1592428509, ClinGen allele CA384588242.

ClinVar aggregate classification (germline): Uncertain significance (1 of 4 stars; one submission).

Conditions:
Compton-North congenital myopathy (CMYO12). Identifiers: Orphanet 210163, MedGen C2675527, MONDO:0012929, OMIM 612540.

Allele frequency attached by ClinVar (database versions not stated): gnomAD exomes below 0.00001.
gnomAD v4.1: 1 of 1,614,110 alleles (0.000062%); highest among the groups gnomAD compares: Non-Finnish European, 0.000085%; no homozygotes.

Submission:

Labcorp Genetics (formerly Invitae), Labcorp
Classification: Uncertain significance for Myopathy, congenital, compton-north. Last evaluated: 2018-08-09. Review status: criteria provided, single submitter. Criteria: Invitae Variant Classification Sherloc (09022015). Collection method: clinical testing. Allele origin: germline.
Comment: This sequence change replaces aspartic acid with glycine at codon 969 of the CNTN1 protein (p.Asp969Gly). The aspartic acid residue is highly conserved and there is a moderate physicochemical difference between aspartic acid and glycine. This variant is not present in population databases (ExAC no frequency). This variant has not been reported in the literature in individuals with CNTN1-related disease. Algorithms developed to predict the effect of missense changes on protein structure and function are either unavailable or do not agree on the potential impact of this missense change (SIFT: "Deleterious"; PolyPhen-2: "Benign"; Align-GVGD: "Class C15"). In summary, the available evidence is currently insufficient to determine the role of this variant in disease. Therefore, it has been classified as a Variant of Uncertain Significance.